The following is an entry in ClinVar:

NC_000023.11:g.101837636A>G

Gene: NXF5 (nuclear RNA export factor 5; minus strand). Cytogenetic location: Xq22.1.
Variant type: single nucleotide variant.
Molecular consequence: non-coding transcript variant (on NR_028089.1).
Genome position: GRCh38 VCF-style: chrX-101837636-A-G. GRCh37 (hg19) VCF-style: chrX-101092608-A-G.
Identifiers: ClinVar variation 2152613 (VCV002152613.4), dbSNP rs759017529, ClinGen allele CA10474500.

ClinVar aggregate classification (germline): Uncertain significance (1 of 4 stars; one submission).

Allele frequency attached by ClinVar (database versions not stated): gnomAD exomes 0.00001; ExAC 0.00002; TOPMed 0.00003; gnomAD 0.00004.

Submission:

Labcorp Genetics (formerly Invitae), Labcorp
Classification: Uncertain significance. Last evaluated: 2025-12-10. Review status: criteria provided, single submitter. Criteria: Invitae Variant Classification Sherloc (09022015). Collection method: clinical testing. Allele origin: germline.
Comment: This sequence change replaces leucine, which is neutral and non-polar, with proline, which is neutral and non-polar, at codon 313 of the NXF5 protein (p.Leu313Pro). This variant is present in population databases (rs759017529, gnomAD 0.01%). This variant has not been reported in the literature in individuals affected with NXF5-related conditions. ClinVar contains an entry for this variant (Variation ID: 2152613). An algorithm developed to predict the effect of missense changes on protein structure and function (PolyPhen-2) suggests that this variant is likely to be disruptive. In summary, the available evidence is currently insufficient to determine the role of this variant in disease. Therefore, it has been classified as a Variant of Uncertain Significance.